The following is an entry in ClinVar:

NM_000059.4(BRCA2):c.476T>C (p.Val159Ala)

Gene: BRCA2 (BRCA2 DNA repair associated; plus strand). Cytogenetic location: 13q13.1.
Variant type: single nucleotide variant.
Coding change: c.476T>C on transcript NM_000059.4 (MANE Select); coding-DNA position 476, T replaced by C.
Protein change: p.Val159Ala; replaces valine 159 with alanine.
Molecular consequence: missense variant.
Genome position (GRCh38, 1-based): chr13:32,326,242, T>C. VCF-style: chr13-32326242-T-C. GRCh37 (hg19) VCF-style: chr13-32900379-T-C.
Other names: short protein forms V159A.
Identifiers: ClinVar variation 495466 (VCV000495466.15), dbSNP rs81002884, ClinGen allele CA387757609.

ClinVar aggregate classification (germline): Uncertain significance. Review status: criteria provided, multiple submitters, no conflicts (2 of 4 stars). 6 submissions from 6 submitters: Uncertain significance (5). 1 of the submissions does not count toward it. Last evaluated 2025-05-07.

Conditions:
Hereditary breast ovarian cancer syndrome. Also called: Hereditary breast and ovarian cancer syndrome (HBOC); Breast and ovarian cancer; Hereditary breast and ovarian cancer; BRCA1- and BRCA2-Associated Hereditary Breast and Ovarian Cancer; Hereditary breast and/or ovarian cancer syndrome; Hereditary breast and ovarian cancer syndrome. Identifiers: Orphanet 145, MedGen C0677776, MeSH D061325, MONDO:0003582. Disease mechanism: loss of function.
Hereditary cancer-predisposing syndrome. Also called: Tumor predisposition; Hereditary neoplastic syndrome; Neoplastic Syndromes, Hereditary; Hereditary Cancer Syndrome. Identifiers: Orphanet 140162, MedGen C0027672, MeSH D009386, MONDO:0015356.
Breast-ovarian cancer, familial, susceptibility to, 2 (BROVCA2). Also called: BRCA2 Hereditary Breast and Ovarian Cancer. Identifiers: Orphanet 145, MedGen C2675520, MONDO:0012933, OMIM 612555. Disease mechanism: loss of function.

Submissions (6):

Labcorp Genetics (formerly Invitae), Labcorp
Classification: Uncertain significance for Hereditary breast ovarian cancer syndrome. Last evaluated: 2025-05-07. Review status: criteria provided, single submitter. Criteria: Invitae Variant Classification Sherloc (09022015). Collection method: clinical testing. Allele origin: germline.
Comment: This sequence change replaces valine, which is neutral and non-polar, with alanine, which is neutral and non-polar, at codon 159 of the BRCA2 protein (p.Val159Ala). This variant is not present in population databases (gnomAD no frequency). This missense change has been observed in individual(s) with kidney cancer (PMID: 30254663, 34034685). ClinVar contains an entry for this variant (Variation ID: 495466). An algorithm developed to predict the effect of missense changes on protein structure and function outputs the following: PolyPhen-2: "Possibly Damaging". The alanine amino acid residue is found in multiple mammalian species, which suggests that this missense change does not adversely affect protein function. In summary, the available evidence is currently insufficient to determine the role of this variant in disease. Therefore, it has been classified as a Variant of Uncertain Significance.

Color Diagnostics, LLC DBA Color Health
Classification: Uncertain significance for Hereditary cancer-predisposing syndrome. Last evaluated: 2024-08-07. Review status: criteria provided, single submitter. Criteria: ACMG Guidelines, 2015. Collection method: clinical testing. Allele origin: germline.
Comment: This missense variant replaces valine with alanine at codon 159 of the BRCA2 protein. Computational prediction suggests that this variant may not impact protein structure and function. To our knowledge, functional studies have not been performed for this variant. This variant has been reported in an individual affected with kidney cancer (PMID: 34034685) and in a suspected hereditary breast and ovarian cancer family in which the variant was found not to segregate with disease (PMID: 30254663). This variant has not been identified in the general population by the Genome Aggregation Database (gnomAD). The available evidence is insufficient to determine the role of this variant in disease conclusively. Therefore, this variant is classified as a Variant of Uncertain Significance.

Ambry Genetics
Classification: Uncertain significance for Hereditary cancer-predisposing syndrome. Last evaluated: 2021-11-10. Review status: criteria provided, single submitter. Criteria: Ambry Variant Classification Scheme 2023. Collection method: clinical testing. Allele origin: germline.
Comment: The p.V159A variant (also known as c.476T>C) is located in coding exon 5 of the BRCA2 gene. The valine at codon 159 is replaced by alanine, an amino acid with similar properties. In one study, this alteration was detected in 1/60 Italian pancreatic cancer patients (Rapposelli IG et al. BMC Cancer, 2021 May;21:611). Another study detected this alteration in 1/1045 Italian patients fulfilling BRCA testing criteria according to regional protocol (Zuntini R et al. Front Genet, 2018 Sep;9:378). This change occurs in the first base pair of coding exon 5. This amino acid position is not well conserved in available vertebrate species. In addition, this alteration is predicted to be tolerated by in silico analysis. Since supporting evidence is limited at this time, the clinical significance of this alteration remains unclear.

Sema4
Classification: Uncertain significance for Hereditary cancer-predisposing syndrome. Last evaluated: 2021-11-05. Review status: criteria provided, single submitter. Criteria: Sema4 Curation Guidelines. Collection method: curation. Allele origin: germline.
Comment: The BRCA2 c.476T>C (p.V159A) has been reported in at least one individual with pancreatic and kidney cancer (PMID: 34034685). It was not observed in the large and broad cohorts of the Genome Aggregation Database (PMID: 32461654). The variant has been reported in ClinVar (Variation ID: 495466). Functional studies have not been performed, and in silico predictions of the variant's effect on protein function are inconclusive. The evidence is insufficient to meet ACMG/AMP criteria for classifying the variant as benign or pathogenic. Based on the current evidence available, this variant is interpreted as a variant of uncertain significance.

Women's Health and Genetics/Laboratory Corporation of America, LabCorp
Classification: Uncertain significance. Last evaluated: 2017-07-28. Review status: criteria provided, single submitter. Criteria: LabCorp Variant Classification Summary - May 2015. Collection method: clinical testing. Allele origin: germline.
Comment: Variant summary: The BRCA2 c.476T>C (p.Val159Ala) variant involves the alteration of a not conserved nucleotide. 3/5 in silico tools predict a benign outcome for this variant. This variant is absent in 120216 control chromosomes. The variant of interest has not, to our knowledge, been reported in affected individuals via publications and/or reputable databases/clinical diagnostic laboratories; nor evaluated for functional impact by in vivo/vitro studies. Because of the absence of clinical information and the lack of functional studies, the variant is classified as a variant of uncertain significance (VUS) until additional information becomes available.

Department of Medical and Surgical Sciences, University of Bologna
Classification: Likely benign for Breast-ovarian cancer, familial, susceptibility to, 2. Last evaluated: 2023-09-01. Review status: no assertion criteria provided. Collection method: clinical testing. Allele origin: germline. Affected: yes. Not counted in ClinVar's aggregate classification.
Comment: PM2(Supporting)+BP1(Strong) according to ACMG/AMP classification guidelines specified for BRCA1 & BRCA2 (Classification Criteria V1.0.0 2023-09-08) (PMID: 38160042)

Literature cited by the submitters: PubMed 30254663 (cited by 3 submitters); PubMed 34034685 (cited by 4 submitters).